The following is an entry in ClinVar:

NC_000014.9:g.36662092G>A

Gene: PAX9 (paired box 9; plus strand). Cytogenetic location: 14q13.3.
Variant type: single nucleotide variant.
Genome position: GRCh38 VCF-style: chr14-36662092-G-A. GRCh37 (hg19) VCF-style: chr14-37131297-G-A.
Identifiers: ClinVar variation 430692 (VCV000430692.3), dbSNP rs1131692057, ClinGen allele CA389465892.

ClinVar aggregate classification (germline): Pathogenic (0 of 4 stars; one submission).

Conditions:
Tooth agenesis, selective, 3 (STHAG3). Also called: HYPODONTIA/OLIGODONTIA 3. Identifiers: Orphanet 99798, MedGen C1970291, MONDO:0011477, OMIM 604625. Disease mechanism: loss of function.

Submission:

Centre for Genetic Disorders, Banaras Hindu University
Classification: Pathogenic for Tooth agenesis, selective, 3. Last evaluated: 2017-06-24. Review status: no assertion criteria provided. Collection method: research. Allele origin: germline. Inheritance: Autosomal dominant inheritance. Affected: yes. Observed: 8 variant alleles, 8 heterozygotes. Clinical features observed: Oligodontia.
Comment: NM_006194.3:c.3G>A change in PAX9 is associated with autosomal dominant non-syndromic molar tooth agenesis in an Indian family. This variation was only present in the all affected individuals in this family but not in the unaffected family members and other 200 control chromosomes. This change alter the initiation codon from ATG to ATA. That may as a consequence leads to haploinsufficiency of PAX9 protein. This variation was tested for its clinical significance using online tool MutationTaster and was predicted to be disease causing